The following is an entry in ClinVar:

NM_000091.5(COL4A3):c.3791T>C (p.Ile1264Thr)

Genes: COL4A3 (collagen type IV alpha 3 chain; plus strand), MFF-DT (MFF divergent transcript; minus strand). Cytogenetic location: 2q36.3.
Variant type: single nucleotide variant.
Coding change: c.3791T>C on transcript NM_000091.5 (MANE Select); coding-DNA position 3791, T replaced by C.
Protein change: p.Ile1264Thr; replaces isoleucine 1264 with threonine.
Molecular consequence: missense variant.
Genome position (GRCh38, 1-based): chr2:227,298,721, T>C. VCF-style: chr2-227298721-T-C. GRCh37 (hg19) VCF-style: chr2-228163437-T-C.
Other names: short protein forms I1264T.
Identifiers: ClinVar variation 763070 (VCV000763070.16), dbSNP rs780533498, ClinGen allele CA2147354.

ClinVar aggregate classification (germline): Likely benign. Review status: criteria provided, multiple submitters, no conflicts (2 of 4 stars). 4 submissions from 4 submitters: Likely benign (3). 1 of the submissions does not count toward it. Last evaluated 2026-01-29.

Conditions:
COL4A3-related disorder. Also called: COL4A3-related condition; COL4A3-Related Disorders.

Allele frequency attached by ClinVar (database versions not stated): gnomAD exomes 0.00003 and 0.00016; gnomAD 0.00004 and 0.00006; TOPMed 0.00004; ExAC 0.00011; 1000 Genomes Project 30x 0.00016.
gnomAD v4.1: 59 of 1,614,004 alleles (0.0037%); highest among the groups gnomAD compares: East Asian, 0.12%; no homozygotes.

Submissions (4):

Labcorp Genetics (formerly Invitae), Labcorp
Classification: Likely benign. Last evaluated: 2026-01-29. Review status: criteria provided, single submitter. Criteria: Invitae Variant Classification Sherloc (09022015). Collection method: clinical testing. Allele origin: germline.

Women's Health and Genetics/Laboratory Corporation of America, LabCorp
Classification: Likely benign. Last evaluated: 2025-09-10. Review status: criteria provided, single submitter. Criteria: LabCorp Variant Classification Summary - May 2015. Collection method: clinical testing. Allele origin: germline.
Comment: Variant summary: COL4A3 c.3791T>C (p.Ile1264Thr) results in a non-conservative amino acid change in the encoded protein sequence. Algorithms developed to predict the effect of missense changes on protein structure and function are either unavailable or do not agree on the potential impact of this missense change. The variant allele was found at a frequency of 0.00016 in 249504 control chromosomes, predominantly at a frequency of 0.0022 within the East Asian subpopulation in the gnomAD database. The observed variant frequency within East Asian control individuals in the gnomAD database exceeds the estimated maximal expected allele frequency for disease-causing variants in COL4A3. To our knowledge, no occurrence of c.3791T>C in individuals affected with COL4A3-related conditions and no experimental evidence demonstrating its impact on protein function have been reported. ClinVar contains an entry for this variant (Variation ID: 763070). Based on the evidence outlined above, the variant was classified as likely benign.

GeneDx
Classification: Likely benign. Last evaluated: 2019-08-07. Review status: criteria provided, single submitter. Criteria: GeneDx Variant Classification Process June 2021. Collection method: clinical testing. Allele origin: germline. Affected: yes.
Comment: This variant is associated with the following publications: (PMID: 29178603)

PreventionGenetics, part of Exact Sciences
Classification: Likely benign for COL4A3-related condition. Last evaluated: 2023-10-20. Review status: no assertion criteria provided. Collection method: clinical testing. Allele origin: germline. Not counted in ClinVar's aggregate classification.
Comment: This variant is classified as likely benign based on ACMG/AMP sequence variant interpretation guidelines (Richards et al. 2015 PMID: 25741868, with internal and published modifications).